The following is an entry in ClinVar:

ClinVar aggregate classification (germline): Uncertain significance (1 of 4 stars; one submission).

Conditions:
Cardiovascular phenotype. Identifiers: MedGen CN230736.

Submission:

Ambry Genetics
Classification: Uncertain significance for Cardiovascular phenotype. Last evaluated: 2026-06-01. Review status: criteria provided, single submitter. Criteria: Ambry Variant Classification Scheme 2023. Collection method: clinical testing. Allele origin: germline.
Comment: The c.2869G>C (p.A957P) alteration is located in exon 20 (coding exon 19) of the ABCA1 gene. This alteration results from a G to C substitution at nucleotide position 2869, causing the alanine (A) at amino acid position 957 to be replaced by a proline (P). This variant was not reported in population-based cohorts in the Genome Aggregation Database (gnomAD). This amino acid position is highly conserved in available vertebrate species. This alteration is predicted to be deleterious by in silico analysis. Based on insufficient or conflicting evidence, the clinical significance of this alteration remains unclear.

NM_005502.4(ABCA1):c.2869G>C (p.Ala957Pro)

Gene: ABCA1 (ATP binding cassette subfamily A member 1; minus strand). Cytogenetic location: 9q31.1.
Variant type: single nucleotide variant.
Coding change: c.2869G>C on transcript NM_005502.4 (MANE Select); coding-DNA position 2869, G replaced by C.
Protein change: p.Ala957Pro; replaces alanine 957 with proline.
Molecular consequence: missense variant.
Genome position (GRCh38, 1-based): chr9:104,821,466, C>G on the plus strand (G>C on the coding strand, the complement: ABCA1 is on the minus strand). VCF-style: chr9-104821466-C-G. GRCh37 (hg19) VCF-style: chr9-107583747-C-G.
Other names: short protein forms A957P.
Identifiers: ClinVar variation 4869733 (VCV004869733.1).